The following is an entry in ClinVar:

NM_000540.3(RYR1):c.9623C>T (p.Pro3208Leu)

Gene: RYR1 (ryanodine receptor 1; plus strand). Cytogenetic location: 19q13.2.
Variant type: single nucleotide variant.
Coding change: c.9623C>T on transcript NM_000540.3 (MANE Select); coding-DNA position 9623, C replaced by T.
Protein change: p.Pro3208Leu; replaces proline 3208 with leucine.
Molecular consequence: missense variant.
Genome position (GRCh38, 1-based): chr19:38,516,155, C>T. VCF-style: chr19-38516155-C-T. GRCh37 (hg19) VCF-style: chr19-39006795-C-T.
Other names: c.9623C>T, p.Pro3208Leu (NM_001042723.2); short protein forms P3208L.
Identifiers: ClinVar variation 586415 (VCV000586415.19), dbSNP rs758210285, ClinGen allele CA073900.
Genomic context (GRCh38, chr19:38,516,155, plus strand): 5'-CAGCCCTCGGGGAGTGCCTGGCCCGTCTGGCAGCAGCCATGCCGGTGGCGTTCCTGGAGC[C>T]GCAGCTGAACGAGTACAACGCCTGCTCCGTGTACACCACCAAGTCTCCGCGGGAGCGGGC-3'
Protein context (NP_000531.2, residues 3198-3218): AAAMPVAFLE[Pro3208Leu]QLNEYNACSV

ClinVar aggregate classification (germline): Conflicting classifications of pathogenicity. Review status: criteria provided, conflicting classifications (1 of 4 stars). 8 submissions from 8 submitters: Pathogenic (2); Likely pathogenic (4); Uncertain significance (1). 1 of the submissions does not count toward it. Last evaluated 2026-03-20.

Conditions:
RYR1-related disorder. Also called: RYR1-related condition; RYR1-related disorders. Identifiers: MedGen CN239331.
Congenital multicore myopathy with external ophthalmoplegia (CMYO1B). Also called: Congenital myopathy 1B, autosomal recessive; Minicore myopathy; MULTIMINICORE DISEASE WITH EXTERNAL OPHTHALMOPLEGIA; MULTICORE MYOPATHY; Minicore myopathy with external ophthalmoplegia. Identifiers: Orphanet 598, Orphanet 98905, MedGen C1850674, MONDO:0009712, OMIM 255320, HP:0003789.
Malignant hyperthermia, susceptibility to, 1 (MHS1). Also called: Malignant hyperthermia suceptibility 1; Anesthesia related hyperthermia; Malignant hyperpyrexia; Fulminating hyperpyrexia; Pharmacogenic myopathy; RYR1-Related Malignant Hyperthermia Susceptibility. Identifiers: Orphanet 423, MedGen C2930980, MONDO:0007783, OMIM 145600.
RYR1-related myopathy. Identifiers: Orphanet 98742, MedGen CN305348, MONDO:0100150.

Allele frequency attached by ClinVar (database versions not stated): ExAC below 0.00001; gnomAD 0.00001; gnomAD exomes 0.00001.
gnomAD v4.1: 12 of 1,556,552 alleles (0.00077%); highest among the groups gnomAD compares: East Asian, 0.0096%; no homozygotes.

Submissions (8):

GeneDx
Classification: Likely pathogenic. Last evaluated: 2026-03-20. Review status: criteria provided, single submitter. Criteria: GeneDx Variant Classification Process June 2021. Collection method: clinical testing. Allele origin: germline.
Comment: In silico analysis supports that this missense variant has a deleterious effect on protein structure/function; This variant is associated with the following publications: (PMID: 34970863, 35693006, 32236737, 12668474)

PreventionGenetics, part of Exact Sciences
Classification: Likely pathogenic for RYR1-related condition. Last evaluated: 2026-02-18. Review status: criteria provided, single submitter. Criteria: ACMG Guidelines, 2015. Collection method: clinical testing. Allele origin: germline.
Comment: The RYR1 c.9623C>T variant is predicted to result in the amino acid substitution p.Pro3208Leu. This variant has been reported in the compound heterozygous state in two patients affected with congenital myopathy (Kalfon et al. 2022. PubMed ID: 34970863; Chang et al. 2022. PubMed ID: 35693006). Additionally, we have observed this variant alongside a second plausible causative variant in the RYR1 gene in other patients at PreventionGenetics affected with congenital myopathy (Internal Data). This variant is reported in 0.0052% of alleles in individuals of European (Finnish) descent in gnomAD. This variant is interpreted as likely pathogenic.

Variantyx, Inc.
Classification: Likely pathogenic for Congenital multicore myopathy with external ophthalmoplegia. Last evaluated: 2025-09-10. Review status: criteria provided, single submitter. Criteria: Variantyx Assertion Criteria 2022. Collection method: clinical testing. Allele origin: germline. Inheritance: Autosomal recessive inheritance. Affected: yes.
Comment: This is a nonsynonymous variant in the RYR1 gene (OMIM: 180901). Pathogenic variants in this gene have been associated with autosomal recessive RYR1-related myopathy . Multiple computational algorithms predict a deleterious effect for this variant (REVEL score: 0.799) (PP3). This variant has a 0.0096% maximum allele frequency in non-founder control populations (PM2). Based on the current evidence, this variant is classified as likely pathogenic for autosomal recessive RYR1-related myopathy.Note, the potential impact of this variant on autosomal dominant susceptibility to malignant hyperthermia is uncertain.

Labcorp Genetics (formerly Invitae), Labcorp
Classification: Pathogenic for RYR1-related disorder. Last evaluated: 2025-09-08. Review status: criteria provided, single submitter. Criteria: Invitae Variant Classification Sherloc (09022015). Collection method: clinical testing. Allele origin: germline.
Comment: This sequence change replaces proline, which is neutral and non-polar, with leucine, which is neutral and non-polar, at codon 3208 of the RYR1 protein (p.Pro3208Leu). This variant is present in population databases (rs758210285, gnomAD 0.005%). This missense change has been observed in individual(s) with autosomal recessive RYR1-related myopathy (PMID: 34970863, 35693006; internal data). In at least one individual the data is consistent with being in trans (on the opposite chromosome) from a pathogenic variant. ClinVar contains an entry for this variant (Variation ID: 586415). Invitae Evidence Modeling of protein sequence and biophysical properties (such as structural, functional, and spatial information, amino acid conservation, physicochemical variation, residue mobility, and thermodynamic stability) indicates that this missense variant is not expected to disrupt RYR1 protein function with a negative predictive value of 80%. For these reasons, this variant has been classified as Pathogenic.

Color Diagnostics, LLC DBA Color Health
Classification: Uncertain significance for Malignant hyperthermia, susceptibility to, 1. Last evaluated: 2025-01-16. Review status: criteria provided, single submitter. Criteria: ACMG Guidelines, 2015. Collection method: clinical testing. Allele origin: germline.
Comment: This missense variant replaces proline with leucine at codon 3208 of the RYR1 protein. Computational prediction suggests that this variant may have deleterious impact on protein structure and function. To our knowledge, functional studies have not been reported for this variant. This variant has not been reported in individuals affected with autosomal dominant malignant hyperthermia in the literature, although it is associated with other phenotype(s) (ClinVar variation ID: 586415). This variant has been identified in 1/194482 chromosomes in the general population by the Genome Aggregation Database (gnomAD). Due to insufficient evidence, this variant is classified as a Variant of Uncertain Significance for autosomal dominant malignant hyperthermia.

Athena Diagnostics
Classification: Pathogenic. Last evaluated: 2024-06-24. Review status: criteria provided, single submitter. Criteria: Athena Diagnostics Criteria. Collection method: clinical testing. Allele origin: unknown.
Comment: The frequency of this variant in the general population is consistent with pathogenicity. This variant has been identified in at least one individual with congenital myopathy and segregates with disease in multiple families. Polyphen and MutationTaster predict this amino acid change may be damaging to the protein.

Pediatric Department, Peking University First Hospital
Classification: Likely pathogenic for RYR1-related myopathy. Last evaluated: 2022-02-08. Review status: criteria provided, single submitter. Criteria: ACMG Guidelines, 2015. Collection method: provider interpretation. Allele origin: maternal. Affected: yes.

All of Us Research Program, National Institutes of Health
Classification: Uncertain significance for Malignant hyperthermia, susceptibility to, 1. Last evaluated: 2023-09-05. Review status: flagged submission. Criteria: ACMG Guidelines, 2015. Collection method: clinical testing. Allele origin: germline. Inheritance: Autosomal dominant inheritance. Observed: 1 variant allele, 1 heterozygote. Not counted in ClinVar's aggregate classification.
Comment: This study involves interpretation of variants in research participants for the purpose of population health screening. Participant phenotype was not available at the time of variant classification. Additional details can be found in publication PMID: 35346344, PMCID: PMC8962531
ClinVar note: Reason: Outlier claim with insufficient supporting evidence

Literature cited by the submitters: PubMed 35693006 (cited by 3 submitters); PubMed 34970863 (cited by 3 submitters); PubMed 32236737 (cited by Athena Diagnostics).